The following is an entry in ClinVar:

ClinVar aggregate classification (germline): Pathogenic. Review status: reviewed by expert panel (3 of 4 stars). 4 submissions from 4 submitters: Pathogenic (1). 3 of the submissions do not count toward it. Last evaluated 2026-09-26.

Conditions:
RPGR-related disorder. Also called: RPGR-related condition.
RPGR-related retinopathy. Also called: RPGR retinopathy. Identifiers: MedGen CN305589, MONDO:0100437.
Primary ciliary dyskinesia. Also called: Ciliary dyskinesia. Identifiers: Orphanet 244, MedGen C0008780, MONDO:0016575, HP:0012265.

Submissions (4):

ClinGen X-linked Inherited Retinal Disease Variant Curation Expert Panel, ClinGen
Classification: Pathogenic for RPGR-related retinopathy. Last evaluated: 2026-09-26. Review status: reviewed by expert panel. Criteria: ClinGen X LinkedIRD ACMG Specifications RPGR V1.0.0. Collection method: curation. Allele origin: germline. Inheritance: X-linked inheritance.
Comment: The NM_001034853.2(RPGR):c.470-1G>A variant is a canonical splice site variant located in intron 5 and is predicted to disrupt splicing of exon 6 and to induce frameshift, which is expected to introduce a premature stop codon in RPGR (PVS1). This variant is absent from hemizygous individuals in gnomAD v4.1.0 (PM2_Supporting). The variant has been reported to segregate with retinal dystrophy through at least 3 affected meioses from 1 family. (PP1_moderate; PMID: 30313097). This variant has been reported in at least one proband meeting the PS4 requirement of a male with some functional vision impairment by age 30 and/or decreased or absent ERG responses, or a female with functional visual abnormality and documentation of a male relative affected with retinitis pigmentosa (PMIDs: 30313097, 38586605). PS4_Supporting requires at least 2 unrelated probands, so this criterion was not met. In summary, this variant is classified as pathogenic for RPGR-related retinopathy based on the ACMG/AMP criteria applied, as specified by the ClinGen X-linked IRD VCEP 1.0.0: PVS1, PP1_moderate, and PM2_supporting.

Labcorp Genetics (formerly Invitae), Labcorp
Classification: Pathogenic for Primary ciliary dyskinesia. Last evaluated: 2024-03-29. Review status: criteria provided, single submitter. Criteria: Invitae Variant Classification Sherloc (09022015). Collection method: clinical testing. Allele origin: germline. Not counted in ClinVar's aggregate classification.
Comment: This sequence change affects an acceptor splice site in intron 5 of the RPGR gene. It is expected to disrupt RNA splicing. Variants that disrupt the donor or acceptor splice site typically lead to a loss of protein function (PMID: 16199547), and loss-of-function variants in RPGR are known to be pathogenic (PMID: 16055928, 16969763). This variant is not present in population databases (gnomAD no frequency). Disruption of this splice site has been observed in individual(s) with retinitis pigmentosa (PMID: 30313097). It has also been observed to segregate with disease in related individuals. ClinVar contains an entry for this variant (Variation ID: 1802304). Algorithms developed to predict the effect of sequence changes on RNA splicing suggest that this variant may disrupt the consensus splice site. For these reasons, this variant has been classified as Pathogenic.

Blueprint Genetics
Classification: Pathogenic for RPGR-related disorders. Last evaluated: 2022-08-26. Review status: criteria provided, single submitter. Criteria: ACMG Guidelines, 2015. Collection method: clinical testing. Allele origin: germline. Affected: yes. Observed: 5 variant alleles. Not counted in ClinVar's aggregate classification.

PreventionGenetics, part of Exact Sciences
Classification: Likely pathogenic. Last evaluated: 2018-03-26. Review status: criteria provided, single submitter. Criteria: ACMG Guidelines, 2015. Collection method: clinical testing. Allele origin: germline. Not counted in ClinVar's aggregate classification.

Literature cited by the submitters: PubMed 16199547 (cited by Labcorp Genetics (formerly Invitae), Labcorp); PubMed 16055928 (cited by Labcorp Genetics (formerly Invitae), Labcorp); PubMed 16969763 (cited by Labcorp Genetics (formerly Invitae), Labcorp); PubMed 30313097 (cited by Labcorp Genetics (formerly Invitae), Labcorp).

NM_001034853.2(RPGR):c.470-1G>A

Gene: RPGR (retinitis pigmentosa GTPase regulator; minus strand). Cytogenetic location: Xp11.4.
Variant type: single nucleotide variant.
Coding change: c.470-1G>A on transcript NM_001034853.2 (MANE Select); the canonical splice acceptor site of the intron before coding-DNA position 470, G replaced by A.
Molecular consequence: splice acceptor variant.
Genome position (GRCh38, 1-based): chrX:38,317,466, C>T on the plus strand (G>A on the coding strand, the complement: RPGR is on the minus strand). VCF-style: chrX-38317466-C-T. GRCh37 (hg19) VCF-style: chrX-38176719-C-T.
Other names: c.467-1G>A (NM_001367249.1); c.470-1G>A (NM_001367250.1, NM_001367245.1, NM_001367251.1 and 3 more transcripts); c.500-1G>A (NM_001367248.1).
Identifiers: ClinVar variation 1802304 (VCV001802304.6), dbSNP rs2519889525, ClinGen allele CA412744980.